The following is an entry in ClinVar:

NM_019066.5(MAGEL2):c.1034T>G (p.Ile345Arg)

Gene: MAGEL2 (MAGE family member L2; minus strand). Cytogenetic location: 15q11.2.
Variant type: single nucleotide variant.
Coding change: c.1034T>G on transcript NM_019066.5 (MANE Select); coding-DNA position 1034, T replaced by G.
Protein change: p.Ile345Arg; replaces isoleucine 345 with arginine.
Molecular consequence: missense variant.
Genome position (GRCh38, 1-based): chr15:23,646,709, A>C on the plus strand (T>G on the coding strand, the complement: MAGEL2 is on the minus strand). VCF-style: chr15-23646709-A-C. GRCh37 (hg19) VCF-style: chr15-23891856-A-C.
Other names: short protein forms I345R.
Identifiers: ClinVar variation 3657660 (VCV003657660.2).

ClinVar aggregate classification (germline): Uncertain significance (1 of 4 stars; one submission).

Submission:

Labcorp Genetics (formerly Invitae), Labcorp
Classification: Uncertain significance. Last evaluated: 2024-08-16. Review status: criteria provided, single submitter. Criteria: Invitae Variant Classification Sherloc (09022015). Collection method: clinical testing. Allele origin: germline.
Comment: This sequence change replaces isoleucine, which is neutral and non-polar, with arginine, which is basic and polar, at codon 345 of the MAGEL2 protein (p.Ile345Arg). This variant is not present in population databases (gnomAD no frequency). This variant has not been reported in the literature in individuals affected with MAGEL2-related conditions. Experimental studies and prediction algorithms are not available or were not evaluated, and the functional significance of this variant is currently unknown. In summary, the available evidence is currently insufficient to determine the role of this variant in disease. Therefore, it has been classified as a Variant of Uncertain Significance.